The following is an entry in ClinVar:

ClinVar aggregate classification (germline): Uncertain significance. Review status: criteria provided, multiple submitters, no conflicts (2 of 4 stars). 2 submissions from 2 submitters: Uncertain significance (2). Last evaluated 2023-10-15.

Allele frequency attached by ClinVar (database versions not stated): TOPMed 0.00004; 1000 Genomes Project 30x 0.00016; 1000 Genomes Project 0.00020.
gnomAD v4.1: 20 of 1,572,054 alleles (0.0013%); highest among the groups gnomAD compares: African/African-American, 0.026%; no homozygotes.

Submissions (2):

Labcorp Genetics (formerly Invitae), Labcorp
Classification: Uncertain significance. Last evaluated: 2023-10-15. Review status: criteria provided, single submitter. Criteria: Invitae Variant Classification Sherloc (09022015). Collection method: clinical testing. Allele origin: germline.
Comment: This sequence change replaces asparagine, which is neutral and polar, with lysine, which is basic and polar, at codon 1028 of the CACNA2D4 protein (p.Asn1028Lys). The frequency data for this variant in the population databases is considered unreliable, as metrics indicate poor data quality at this position in the gnomAD database. This variant has not been reported in the literature in individuals affected with CACNA2D4-related conditions. ClinVar contains an entry for this variant (Variation ID: 1920259). An algorithm developed to predict the effect of missense changes on protein structure and function (PolyPhen-2) suggests that this variant is likely to be tolerated. In summary, the available evidence is currently insufficient to determine the role of this variant in disease. Therefore, it has been classified as a Variant of Uncertain Significance.

Blueprint Genetics
Classification: Uncertain significance. Last evaluated: 2021-07-14. Review status: criteria provided, single submitter. Criteria: ACMG Guidelines, 2015. Collection method: clinical testing. Allele origin: germline.

NM_172364.5(CACNA2D4):c.3084C>A (p.Asn1028Lys)

Gene: CACNA2D4 (calcium voltage-gated channel auxiliary subunit alpha2delta 4; minus strand). Cytogenetic location: 12p13.33.
Variant type: single nucleotide variant.
Coding change: c.3084C>A on transcript NM_172364.5 (MANE Select); coding-DNA position 3084, C replaced by A.
Protein change: p.Asn1028Lys; replaces asparagine 1028 with lysine.
Molecular consequence: missense variant.
Genome position (GRCh38, 1-based): chr12:1,797,447, G>T on the plus strand (C>A on the coding strand, the complement: CACNA2D4 is on the minus strand). VCF-style: chr12-1797447-G-T. GRCh37 (hg19) VCF-style: chr12-1906613-G-T.
Other names: short protein forms N1028K.
Identifiers: ClinVar variation 1920259 (VCV001920259.6), dbSNP rs527356024, ClinGen allele CA6386074.